The following is an entry in ClinVar:

ClinVar aggregate classification (germline): Likely benign (1 of 4 stars; one submission).

Allele frequency attached by ClinVar (database versions not stated): 1000 Genomes Project 30x 0.00125; 1000 Genomes Project 0.00140; TOPMed 0.00153; gnomAD 0.00228.
gnomAD v4.1: 343 of 152,234 alleles (0.23%); highest among the groups gnomAD compares: Non-Finnish European, 0.31%; 4 homozygotes.

Submission:

CeGaT Center for Human Genetics Tuebingen
Classification: Likely benign. Last evaluated: 2026-09-01. Review status: criteria provided, single submitter. Criteria: CeGaT Center For Human Genetics Tuebingen Variant Classification Criteria Version 2. Collection method: clinical testing. Allele origin: germline. Affected: yes. Observed: 13 variant alleles.
Comment: FGFR1: BS1

NM_023110.3(FGFR1):c.-89+3493A>C

Gene: FGFR1 (fibroblast growth factor receptor 1; minus strand). Cytogenetic location: 8p11.23.
Variant type: single nucleotide variant.
Coding change: c.-89+3493A>C on transcript NM_023110.3 (MANE Select); 3493 bases into the intron after 89 bases upstream of the start codon, A replaced by C.
Molecular consequence: intron variant.
Genome position (GRCh38, 1-based): chr8:38,464,488, T>G on the plus strand (A>C on the coding strand, the complement: FGFR1 is on the minus strand). VCF-style: chr8-38464488-T-G. GRCh37 (hg19) VCF-style: chr8-38322006-T-G.
Other names: c.-89+3493A>C (NM_001354368.2, NM_001354370.2, NM_023106.3 and 4 more transcripts); c.-181+3493A>C (NM_001174064.2); c.-89+3184A>C (NM_001174066.2, NM_001354369.2, NM_001410922.1 and 1 more transcripts); c.-150+3184A>C (NM_001174067.2).
Identifiers: ClinVar variation 2583064 (VCV002583064.25), dbSNP rs148590599, ClinGen allele CA175775307.
Genomic context (GRCh38, chr8:38,464,488, plus strand): 5'-GGGATAGTTCATCCATGTGAGGGCTATTAAATGGGGGAGAGGGCCCTAAACATGGTTTCT[T>G]TCATTGCAGGGGAGAGATAAATGGTGGCGAGGAGAGAATTTCTGTTTAAAGTAGATGCAA-3'